The following is an entry in ClinVar:

NM_001134407.3(GRIN2A):c.1582T>A (p.Phe528Ile)

Gene: GRIN2A (glutamate ionotropic receptor NMDA type subunit 2A; minus strand). Cytogenetic location: 16p13.2.
Variant type: single nucleotide variant.
Coding change: c.1582T>A on transcript NM_001134407.3 (MANE Select); coding-DNA position 1582, T replaced by A.
Protein change: p.Phe528Ile; replaces phenylalanine 528 with isoleucine.
Molecular consequence: missense variant.
Genome position (GRCh38, 1-based): chr16:9,840,716, A>T on the plus strand (T>A on the coding strand, the complement: GRIN2A is on the minus strand). VCF-style: chr16-9840716-A-T. GRCh37 (hg19) VCF-style: chr16-9934573-A-T.
Other names: c.1582T>A, p.Phe528Ile (NM_000833.5, NM_001134408.2); short protein forms F528I.
Identifiers: ClinVar variation 3361973 (VCV003361973.1).

ClinVar aggregate classification (germline): Uncertain significance (1 of 4 stars; one submission).

Submission:

GeneDx
Classification: Uncertain significance. Last evaluated: 2023-05-24. Review status: criteria provided, single submitter. Criteria: GeneDx Variant Classification Process June 2021. Collection method: clinical testing. Allele origin: germline. Affected: yes.
Comment: Not observed at significant frequency in large population cohorts (gnomAD); In silico analysis supports that this missense variant has a deleterious effect on protein structure/function; Has not been previously published as pathogenic or benign to our knowledge; This variant is associated with the following publications: (PMID: 27839871)